The following is an entry in ClinVar:

ClinVar aggregate classification (germline): Uncertain significance (1 of 4 stars; one submission).

Submission:

GeneDx
Classification: Uncertain significance. Last evaluated: 2026-03-24. Review status: criteria provided, single submitter. Criteria: GeneDx Variant Classification Process June 2021. Collection method: clinical testing. Allele origin: germline.
Comment: Not observed at significant frequency in large population cohorts (gnomAD); In silico analysis suggests that this missense variant does not alter protein structure/function; Has not been previously published as pathogenic or benign to our knowledge

NM_001128840.3(CACNA1D):c.2458C>T (p.Pro820Ser)

Gene: CACNA1D (calcium voltage-gated channel subunit alpha1 D; plus strand). Cytogenetic location: 3p21.1.
Variant type: single nucleotide variant.
Coding change: c.2458C>T on transcript NM_001128840.3 (MANE Select); coding-DNA position 2458, C replaced by T.
Protein change: p.Pro820Ser; replaces proline 820 with serine.
Molecular consequence: missense variant.
Genome position (GRCh38, 1-based): chr3:53,732,067, C>T. VCF-style: chr3-53732067-C-T. GRCh37 (hg19) VCF-style: chr3-53766094-C-T.
Other names: c.2518C>T, p.Pro840Ser (NM_000720.4); c.2458C>T, p.Pro820Ser (NM_001128839.3); short protein forms P820S, P840S.
Identifiers: ClinVar variation 5017430 (VCV005017430.1).
Genomic context (GRCh38, chr3:53,732,067, plus strand): 5'-TCATCCTAGGTTACAATTGATGACTATAGAGAAGAGGATGAAGACAAGGACCCCTATCCG[C>T]CTTGCGATGTGCCAGGTATGGTGGCGGAGGCCGGAGACGCTGGCTTTGCTGTGTGTCTTT-3'
Protein context (NP_001122312.1, residues 810-830): EEDEDKDPYP[Pro820Ser]CDVPVGEEEE